The following is an entry in ClinVar:

ClinVar aggregate classification (germline): Uncertain significance (1 of 4 stars; one submission).

Conditions:
Hereditary cancer-predisposing syndrome. Also called: Hereditary Cancer Syndrome; Hereditary neoplastic syndrome; Neoplastic Syndromes, Hereditary; Tumor predisposition. Identifiers: Orphanet 140162, MedGen C0027672, MeSH D009386, MONDO:0015356.

Allele frequency attached by ClinVar (database versions not stated): TOPMed below 0.00001; gnomAD 0.00001.
gnomAD v4.1: 1 of 1,613,070 alleles (0.000062%); highest among the groups gnomAD compares: Admixed American, 0.0017%; no homozygotes.

Submission:

Ambry Genetics
Classification: Uncertain significance for Hereditary cancer-predisposing syndrome. Last evaluated: 2022-05-26. Review status: criteria provided, single submitter. Criteria: Ambry Variant Classification Scheme 2023. Collection method: clinical testing. Allele origin: germline.
Comment: The p.N141Y variant (also known as c.421A>T), located in coding exon 4 of the BARD1 gene, results from an A to T substitution at nucleotide position 421. The asparagine at codon 141 is replaced by tyrosine, an amino acid with dissimilar properties. This amino acid position is conserved. In addition, this alteration is predicted to be tolerated by in silico analysis. Since supporting evidence is limited at this time, the clinical significance of this alteration remains unclear.

NM_000465.4(BARD1):c.421A>T (p.Asn141Tyr)

Gene: BARD1 (BRCA1 associated RING domain 1; minus strand). Cytogenetic location: 2q35.
Variant type: single nucleotide variant.
Coding change: c.421A>T on transcript NM_000465.4 (MANE Select); coding-DNA position 421, A replaced by T.
Protein change: p.Asn141Tyr; replaces asparagine 141 with tyrosine.
Molecular consequence: missense variant. On other transcripts: non-coding transcript variant (2), intron variant (3).
Genome position (GRCh38, 1-based): chr2:214,781,453, T>A on the plus strand (A>T on the coding strand, the complement: BARD1 is on the minus strand). VCF-style: chr2-214781453-T-A. GRCh37 (hg19) VCF-style: chr2-215646177-T-A.
Other names: c.364A>T, p.Asn122Tyr (NM_001282543.2); c.158+27959A>T (NM_001282548.2); c.215+15608A>T (NM_001282545.2); c.364+10844A>T (NM_001282549.2); short protein forms N141Y, N122Y.
Identifiers: ClinVar variation 1738808 (VCV001738808.2), dbSNP rs1358540318, ClinGen allele CA350457889.